The following is an entry in ClinVar:

ClinVar aggregate classification (germline): Likely benign. Review status: criteria provided, single submitter (1 of 4 stars). 2 submissions from 2 submitters: Likely benign (1). 1 of the submissions does not count toward it. Last evaluated 2023-07-13.

Conditions:
RELN-related disorder. Also called: RELN-related condition.
Norman-Roberts syndrome (LIS2). Also called: Lissencephaly 2 (Norman-Roberts type). Identifiers: Orphanet 89844, MedGen C0796089, MONDO:0009760, OMIM 257320.
Familial temporal lobe epilepsy 7. Identifiers: Orphanet 101046, MedGen C4225327, MONDO:0014639, OMIM 616436.

Allele frequency attached by ClinVar (database versions not stated): gnomAD exomes 0.00001 and below 0.00001; gnomAD 0.00002 and 0.00003; TOPMed 0.00003.
gnomAD v4.1: 12 of 1,613,834 alleles (0.00074%); highest among the groups gnomAD compares: African/African-American, 0.0027%; no homozygotes.

Submissions (2):

Labcorp Genetics (formerly Invitae), Labcorp
Classification: Likely benign for Familial temporal lobe epilepsy 7; Norman-Roberts syndrome. Last evaluated: 2023-07-13. Review status: criteria provided, single submitter. Criteria: Invitae Variant Classification Sherloc (09022015). Collection method: clinical testing. Allele origin: germline.

PreventionGenetics, part of Exact Sciences
Classification: Likely benign for RELN-related condition. Last evaluated: 2024-08-14. Review status: no assertion criteria provided. Collection method: clinical testing. Allele origin: germline. Not counted in ClinVar's aggregate classification.
Comment: This variant is classified as likely benign based on ACMG/AMP sequence variant interpretation guidelines (Richards et al. 2015 PMID: 25741868, with internal and published modifications).

NM_005045.4(RELN):c.6735C>T (p.Pro2245=)

Gene: RELN (reelin; minus strand). Cytogenetic location: 7q22.1.
Variant type: single nucleotide variant.
Coding change: c.6735C>T on transcript NM_005045.4 (MANE Select); coding-DNA position 6735, C replaced by T.
Protein change: p.Pro2245=; no amino-acid change (proline 2245 retained).
Molecular consequence: synonymous variant.
Genome position (GRCh38, 1-based): chr7:103,540,392, G>A on the plus strand (C>T on the coding strand, the complement: RELN is on the minus strand). VCF-style: chr7-103540392-G-A. GRCh37 (hg19) VCF-style: chr7-103180839-G-A.
Other names: c.6735C>T, p.Pro2245= (NM_173054.3).
Identifiers: ClinVar variation 756067 (VCV000756067.11), dbSNP rs1158442529, ClinGen allele CA457198599.